The following is an entry in ClinVar:

NM_000186.4(CFH):c.2171del (p.Thr724fs)

Gene: CFH (complement factor H; plus strand). Cytogenetic location: 1q31.3.
Variant type: Deletion.
Coding change: c.2171del on transcript NM_000186.4 (MANE Select); coding-DNA position 2171, one base deleted (C; older notation c.2171delC).
Protein change: p.Thr724fs; shifts the reading frame from threonine 724.
Molecular consequence: frameshift variant.
Genome position (GRCh38, 1-based): chr1:196,726,875, C deleted. VCF-style (leftmost placement, unchanged base first): chr1-196726874-AC-A. GRCh37 (hg19) VCF-style: chr1-196696004-AC-A.
Other names: short protein forms T724fs.
Identifiers: ClinVar variation 4291454 (VCV004291454.2).

ClinVar aggregate classification (germline): Pathogenic (1 of 4 stars; one submission).

Conditions:
Factor H deficiency (CFHD). Also called: COMPLEMENT FACTOR H DEFICIENCY; CFH DEFICIENCY. Identifiers: Orphanet 200421, MedGen C0398777, MONDO:0012350, OMIM 609814.

Submission:

Genomenon, Inc
Classification: Pathogenic for Factor H deficiency. Last evaluated: 2026-09-17. Review status: criteria provided, single submitter. Criteria: Genomenon Sequence Variant Interpretation Standards - Updated. Collection method: curation. Allele origin: germline. Affected: yes.
Comment: CFH p.Thr724LysfsTer2 (c.2171del) is a frameshift variant that is predicted to introduce a premature termination codon and result in a truncated or absent protein product. This variant has been observed in at least one proband affected with complement factor H deficiency (PMID: 22673887). It is absent or not present at a significant frequency in gnomAD. In conclusion, we classify CFH p.Thr724LysfsTer2 (c.2171del) as a pathogenic variant.

Literature cited by the submitters: PubMed 22673887.